The following is an entry in ClinVar:

NM_003072.5(SMARCA4):c.2817del (p.Phe939fs)

Gene: SMARCA4 (SWI/SNF related BAF chromatin remodeling complex subunit ATPase 4; plus strand). Cytogenetic location: 19p13.2.
Variant type: Deletion.
Coding change: c.2817del on transcript NM_003072.5 (MANE Select); coding-DNA position 2817, one base deleted (C; older notation c.2817delC).
Protein change: p.Phe939fs; shifts the reading frame from phenylalanine 939.
Molecular consequence: frameshift variant. On other transcripts: non-coding transcript variant (1).
Genome position (GRCh38, 1-based): chr19:11,021,925, C deleted. VCF-style (leftmost placement, unchanged base first): chr19-11021924-TC-T. GRCh37 (hg19) VCF-style: chr19-11132600-TC-T.
Other names: c.2817del, p.Phe939fs (NM_001128844.3, NM_001128845.2, NM_001128846.2 and 6 more transcripts); short protein forms F939fs.
Identifiers: ClinVar variation 3233097 (VCV003233097.1), dbSNP rs2514884822, ClinGen allele CA2825002740.

ClinVar aggregate classification (germline): Pathogenic (1 of 4 stars; one submission).

Conditions:
Hereditary cancer-predisposing syndrome. Also called: Neoplastic Syndromes, Hereditary; Tumor predisposition; Hereditary neoplastic syndrome; Hereditary Cancer Syndrome. Identifiers: Orphanet 140162, MedGen C0027672, MeSH D009386, MONDO:0015356.

Submission:

Ambry Genetics
Classification: Pathogenic for Hereditary cancer-predisposing syndrome. Last evaluated: 2023-11-16. Review status: criteria provided, single submitter. Criteria: Ambry Variant Classification Scheme 2023. Collection method: clinical testing. Allele origin: germline.
Comment: The c.2817delC variant, located in coding exon 18 of the SMARCA4 gene, results from a deletion of one nucleotide at nucleotide position 2817, causing a translational frameshift with a predicted alternate stop codon (p.F939Lfs*11). This alteration is expected to result in loss of function by premature protein truncation or nonsense-mediated mRNA decay. Loss-of-function variants in SMARCA4 are known to cause rhabdoid tumor predisposition syndrome including small cell carcinoma of the ovary-hypercalcemic type (SCCOHT); however, such associations with neurodevelopmental disorders are exceedingly rare (Kosho T et al. Am J Med Genet C Semin Med Genet. 2014 Sep;166C(3):262-75; Jelinic P et al. Nat Genet. 2014 May;46(5):424-6). Based on the supporting evidence, this alteration is pathogenic for rhabdoid tumor predisposition syndrome; however, the association of this alteration with Coffin-Siris syndrome is unlikely.